The following is an entry in ClinVar:

NM_001044385.3(TMEM237):c.314C>G (p.Ser105Ter)

Gene: TMEM237 (transmembrane protein 237; minus strand). Cytogenetic location: 2q33.1.
Variant type: single nucleotide variant.
Coding change: c.314C>G on transcript NM_001044385.3 (MANE Select); coding-DNA position 314, C replaced by G.
Protein change: p.Ser105Ter; replaces serine 105 with a stop codon.
Molecular consequence: nonsense.
Genome position (GRCh38, 1-based): chr2:201,633,392, G>C on the plus strand (C>G on the coding strand, the complement: TMEM237 is on the minus strand). VCF-style: chr2-201633392-G-C. GRCh37 (hg19) VCF-style: chr2-202498115-G-C.
Other names: c.290C>G, p.Ser97Ter (NM_152388.4); short protein forms S97*, S105*.
Identifiers: ClinVar variation 1455230 (VCV001455230.6), dbSNP rs2105900861, ClinGen allele CA350314199.

ClinVar aggregate classification (germline): Pathogenic (1 of 4 stars; one submission).

Conditions:
Joubert syndrome 14 (JBTS14). Identifiers: MedGen C3280766, MONDO:0013745, OMIM 614424.

Submission:

Labcorp Genetics (formerly Invitae), Labcorp
Classification: Pathogenic for Joubert syndrome 14. Last evaluated: 2020-12-23. Review status: criteria provided, single submitter. Criteria: Invitae Variant Classification Sherloc (09022015). Collection method: clinical testing. Allele origin: germline.
Comment: This sequence change creates a premature translational stop signal (p.Ser105*) in the TMEM237 gene. It is expected to result in an absent or disrupted protein product. Loss-of-function variants in TMEM237 are known to be pathogenic (PMID: 22152675). For these reasons, this variant has been classified as Pathogenic. This variant has not been reported in the literature in individuals with TMEM237-related conditions. This variant is not present in population databases (ExAC no frequency).

Literature cited by the submitters: PubMed 22152675.